The following is an entry in ClinVar:

ClinVar aggregate classification (germline): Uncertain significance (1 of 4 stars; one submission).

Conditions:
Growth delay due to insulin-like growth factor type 1 deficiency (IGF1D). Also called: IGF1 DEFICIENCY; GROWTH RETARDATION WITH SENSORINEURAL DEAFNESS AND MENTAL RETARDATION. Identifiers: Orphanet 73272, MedGen C1837475, MONDO:0012110, OMIM 608747.

Allele frequency attached by ClinVar (database versions not stated): 1000 Genomes Project 0.00020; 1000 Genomes Project 30x 0.00031.
gnomAD v4.1: 9 of 780,776 alleles (0.0012%); highest among the groups gnomAD compares: Non-Finnish European, 0.0019%; no homozygotes.

Submission:

Baylor Genetics
Classification: Uncertain significance for Growth delay due to insulin-like growth factor type 1 deficiency. Last evaluated: 2018-02-13. Review status: criteria provided, single submitter. Criteria: ACMG Guidelines, 2015. Collection method: clinical testing. Allele origin: paternal. Affected: yes.
Comment: This variant was determined to be of uncertain significance according to ACMG Guidelines, 2015 [PMID:25741868].

NM_000618.5(IGF1):c.421G>T (p.Ala141Ser)

Genes: LINC02456 (long intergenic non-protein coding RNA 2456; plus strand), IGF1 (insulin like growth factor 1; minus strand). Cytogenetic location: 12q23.2.
Variant type: single nucleotide variant.
Coding change: c.421G>T on transcript NM_000618.5 (MANE Select); coding-DNA position 421, G replaced by T.
Protein change: p.Ala141Ser; replaces alanine 141 with serine.
Molecular consequence: missense variant.
Genome position (GRCh38, 1-based): chr12:102,402,548, C>A on the plus strand (G>T on the coding strand, the complement: IGF1 is on the minus strand). VCF-style: chr12-102402548-C-A. GRCh37 (hg19) VCF-style: chr12-102796326-C-A.
Other names: c.470G>T, p.Arg157Leu (NM_001111283.3); c.373G>T, p.Ala125Ser (NM_001111284.2); short protein forms A141S, A125S, R157L.
Identifiers: ClinVar variation 1031643 (VCV001031643.1), dbSNP rs367603396, ClinGen allele CA6748484.
Genomic context (GRCh38, chr12:102,402,548, plus strand): 5'-ACTCCTCAGGAGGGTCTTCCTACATCCTGTAGTTCTTGTTTCCTGCACTCCCTCTACTTG[C>A]GTTCTTCAAATGTACTTCCTATAAATAAAGGAGAAAAAGTGACATTAACTTGATGAAGTT-3'
Protein context (NP_000609.1, residues 131-151): KTQKEVHLKN[Ala141Ser]SRGSAGNKNY